The following is an entry in ClinVar:

ClinVar aggregate classification (germline): Conflicting classifications of pathogenicity. Review status: criteria provided, conflicting classifications (1 of 4 stars). 2 submissions from 2 submitters: Uncertain significance (1); Likely benign (1). Last evaluated 2025-05-26.

Conditions:
Inborn genetic diseases. Identifiers: MedGen C0950123, MeSH D030342.
Hereditary spastic paraplegia 30. Identifiers: Orphanet 101010, MedGen C5235139, MONDO:0012476.
Neuropathy, hereditary sensory, type 2C. Also called: KIF1A-Related HSAN2 (HSAN2C); Hereditary sensory and autonomic neuropathy type IIC. Identifiers: Orphanet 970, MedGen C3280168, MONDO:0013634, OMIM 614213.
Intellectual disability, autosomal dominant 9 (NESCAVS). Also called: KIF1A-Related Neurodevelopmental Disorder; NESCAV SYNDROME. Identifiers: Orphanet 662367, MedGen C5393830, MONDO:0013656, OMIM 614255.

Allele frequency attached by ClinVar (database versions not stated): gnomAD exomes below 0.00001; gnomAD 0.00001 and 0.00003; TOPMed 0.00002.
gnomAD v4.1: 11 of 1,608,514 alleles (0.00068%); highest among the groups gnomAD compares: African/African-American, 0.0067%; 1 homozygote.

Submissions (2):

Labcorp Genetics (formerly Invitae), Labcorp
Classification: Uncertain significance for Hereditary spastic paraplegia 30; Neuropathy, hereditary sensory, type 2C; Intellectual disability, autosomal dominant 9. Last evaluated: 2025-05-26. Review status: criteria provided, single submitter. Criteria: Invitae Variant Classification Sherloc (09022015). Collection method: clinical testing. Allele origin: germline.
Comment: This sequence change affects codon 1094 of the KIF1A mRNA. It is a 'silent' change, meaning that it does not change the encoded amino acid sequence of the KIF1A protein. It affects a nucleotide within the consensus splice site. The frequency data for this variant in the population databases is considered unreliable, as metrics indicate poor data quality at this position in the gnomAD database. This variant has not been reported in the literature in individuals affected with KIF1A-related conditions. ClinVar contains an entry for this variant (Variation ID: 1476567). Algorithms developed to predict the effect of sequence changes on RNA splicing suggest that this variant is not likely to affect RNA splicing. In summary, the available evidence is currently insufficient to determine the role of this variant in disease. Therefore, it has been classified as a Variant of Uncertain Significance.

Ambry Genetics
Classification: Likely benign for Inborn genetic diseases. Last evaluated: 2017-11-03. Review status: criteria provided, single submitter. Criteria: Ambry Variant Classification Scheme 2023. Collection method: clinical testing. Allele origin: germline.

NM_001244008.2(KIF1A):c.3585C>T (p.Ser1195=)

Gene: KIF1A (kinesin family member 1A; minus strand). Cytogenetic location: 2q37.3.
Variant type: single nucleotide variant.
Coding change: c.3585C>T on transcript NM_001244008.2 (MANE Select); coding-DNA position 3585, C replaced by T.
Protein change: p.Ser1195=; no amino-acid change (serine 1195 retained).
Molecular consequence: synonymous variant.
Genome position (GRCh38, 1-based): chr2:240,742,984, G>A on the plus strand (C>T on the coding strand, the complement: KIF1A is on the minus strand). VCF-style: chr2-240742984-G-A. GRCh37 (hg19) VCF-style: chr2-241682401-G-A.
Other names: c.3309C>T, p.Ser1103= (NM_001320705.2, NM_001330289.2, NM_001379638.1); c.3384C>T, p.Ser1128= (NM_001330290.2, NM_001379634.1, NM_001379635.1 and 1 more transcripts); c.3660C>T, p.Ser1220= (NM_001379631.1); c.3534C>T, p.Ser1178= (NM_001379632.1); c.3558C>T, p.Ser1186= (NM_001379633.1, NM_001379642.1, NM_001379645.1); c.3282C>T, p.Ser1094= (NM_001379636.1, NM_001379639.1, NM_001379641.1 and 5 more transcripts); c.3357C>T, p.Ser1119= (NM_001379637.1, NM_001379648.1); c.3279C>T, p.Ser1093= (NM_001379640.1).
Identifiers: ClinVar variation 1476567 (VCV001476567.10), dbSNP rs907370883, ClinGen allele CA68154638.